The following is an entry in ClinVar:

ClinVar aggregate classification (germline): Uncertain significance (1 of 4 stars; one submission).

Submission:

GeneDx
Classification: Uncertain significance. Last evaluated: 2025-05-02. Review status: criteria provided, single submitter. Criteria: GeneDx Variant Classification Process June 2021. Collection method: clinical testing. Allele origin: germline. Affected: yes.
Comment: Not observed at significant frequency in large population cohorts (gnomAD); In silico analysis supports that this missense variant has a deleterious effect on protein structure/function; Has not been previously published as pathogenic or benign to our knowledge

NM_054027.6(ANKH):c.319A>G (p.Ser107Gly)

Gene: ANKH (ANKH inorganic pyrophosphate transport regulator; minus strand). Cytogenetic location: 5p15.2.
Variant type: single nucleotide variant.
Coding change: c.319A>G on transcript NM_054027.6 (MANE Select); coding-DNA position 319, A replaced by G.
Protein change: p.Ser107Gly; replaces serine 107 with glycine.
Molecular consequence: missense variant.
Genome position (GRCh38, 1-based): chr5:14,758,593, T>C on the plus strand (A>G on the coding strand, the complement: ANKH is on the minus strand). VCF-style: chr5-14758593-T-C. GRCh37 (hg19) VCF-style: chr5-14758702-T-C.
Other names: short protein forms S107G.
Identifiers: ClinVar variation 4527736 (VCV004527736.1).
Genomic context (GRCh38, chr5:14,758,593, plus strand): 5'-TGCTCCCCACCGACTCGTCCACATGGTGCAGTTTATTGATAATGTAGTATCCTAAATCAC[T>C]ATAAGCTGCAAAGTGTCGAAAGGCATATGTGGAAATATTTAGAAAAGGATATCTTTATAT-3'
Protein context (NP_473368.1, residues 97-117): AAVFHTLIAY[Ser107Gly]DLGYYIINKL